The following is an entry in ClinVar:

NM_014244.5(ADAMTS2):c.104_105insAGTGTGTATAAGAGACA (p.Asn36fs)

Gene: ADAMTS2 (ADAM metallopeptidase with thrombospondin type 1 motif 2; minus strand). Cytogenetic location: 5q35.3.
Variant type: Insertion.
Coding change: c.104_105insAGTGTGTATAAGAGACA on transcript NM_014244.5 (MANE Select); coding-DNA positions 104 to 105, AGTGTGTATAAGAGACA inserted.
Protein change: p.Asn36fs; shifts the reading frame from asparagine 36.
Molecular consequence: frameshift variant.
Genome position: GRCh38 VCF-style: chr5-179345224-C-CTGTCTCTTATACACACT. GRCh37 (hg19) VCF-style: chr5-178772225-C-CTGTCTCTTATACACACT.
Other names: c.104_105insAGTGTGTATAAGAGACA, p.Asn36fs (NM_021599.4); short protein forms N36fs.
Identifiers: ClinVar variation 5010652 (VCV005010652.1).

ClinVar aggregate classification (germline): Pathogenic (1 of 4 stars; one submission).

Conditions:
Ehlers-Danlos syndrome, dermatosparaxis type. Also called: EDS VIIC; Dermatosparaxis; Ehlers-Danlos syndrome, type VII, autosomal recessive. Identifiers: Orphanet 1901, MedGen C2700425, MONDO:0009161, OMIM 225410.

Submission:

Myriad Genetics, Inc.
Classification: Pathogenic for Ehlers-Danlos syndrome, dermatosparaxis type. Last evaluated: 2024-05-14. Review status: criteria provided, single submitter. Criteria: Myriad Autosomal Dominant, Autosomal Recessive and X-Linked Classification Criteria (2023). Collection method: clinical testing. Allele origin: unknown.
Comment: NM_014244.4(ADAMTS2):c.104_105ins17(N36Vfs*135) is expected to be pathogenic in the context of Ehlers-Danlos syndrome, ADAMTS2-related. This variant is predicted to lead to an abnormal or absent protein product due to the creation of a premature termination codon in ADAMTS2, a gene where loss-of-function variants are known to be pathogenic. Please note: this variant was assessed in the context of healthy population screening.